The following is an entry in ClinVar:

ClinVar aggregate classification (germline): Uncertain significance (1 of 4 stars; one submission).

gnomAD v4.1: 1 of 1,498,956 alleles (0.000067%); no homozygotes.

Submission:

GeneDx
Classification: Uncertain significance. Last evaluated: 2025-08-13. Review status: criteria provided, single submitter. Criteria: GeneDx Variant Classification Process June 2021. Collection method: clinical testing. Allele origin: germline. Affected: yes.
Comment: Not observed at significant frequency in large population cohorts (gnomAD); In silico analysis supports that this missense variant has a deleterious effect on protein structure/function; Has not been previously published as pathogenic or benign to our knowledge

NM_017617.5(NOTCH1):c.734G>T (p.Cys245Phe)

Gene: NOTCH1 (notch receptor 1; minus strand). Cytogenetic location: 9q34.3.
Variant type: single nucleotide variant.
Coding change: c.734G>T on transcript NM_017617.5 (MANE Select); coding-DNA position 734, G replaced by T.
Protein change: p.Cys245Phe; replaces cysteine 245 with phenylalanine.
Molecular consequence: missense variant.
Genome position (GRCh38, 1-based): chr9:136,522,858, C>A on the plus strand (G>T on the coding strand, the complement: NOTCH1 is on the minus strand). VCF-style: chr9-136522858-C-A. GRCh37 (hg19) VCF-style: chr9-139417310-C-A.
Other names: short protein forms C245F.
Identifiers: ClinVar variation 4795411 (VCV004795411.1).